The following is an entry in ClinVar:

ClinVar aggregate classification (germline): Uncertain significance. Review status: criteria provided, multiple submitters, no conflicts (2 of 4 stars). 2 submissions from 2 submitters: Uncertain significance (2). Last evaluated 2024-07-16.

Allele frequency attached by ClinVar (database versions not stated): ExAC 0.00001.
gnomAD v4.1: 2 of 1,606,594 alleles (0.00012%); highest among the groups gnomAD compares: South Asian, 0.0011%; no homozygotes.

Submissions (2):

Blueprint Genetics
Classification: Uncertain significance. Last evaluated: 2024-07-16. Review status: criteria provided, single submitter. Criteria: ACMG Guidelines, 2015. Collection method: clinical testing. Allele origin: germline.

Labcorp Genetics (formerly Invitae), Labcorp
Classification: Uncertain significance. Last evaluated: 2022-08-08. Review status: criteria provided, single submitter. Criteria: Invitae Variant Classification Sherloc (09022015). Collection method: clinical testing. Allele origin: germline.
Comment: This variant is present in population databases (rs753905674, gnomAD 0.003%). This sequence change replaces proline, which is neutral and non-polar, with leucine, which is neutral and non-polar, at codon 969 of the COL18A1 protein (p.Pro969Leu). This variant has not been reported in the literature in individuals affected with COL18A1-related conditions. Experimental studies and prediction algorithms are not available or were not evaluated, and the functional significance of this variant is currently unknown. In summary, the available evidence is currently insufficient to determine the role of this variant in disease. Therefore, it has been classified as a Variant of Uncertain Significance.

NM_001379500.1(COL18A1):c.2915C>T (p.Pro972Leu)

Genes: COL18A1 (collagen type XVIII alpha 1 chain; plus strand), SLC19A1 (solute carrier family 19 member 1; minus strand). Cytogenetic location: 21q22.3.
Variant type: single nucleotide variant.
Coding change: c.2915C>T on transcript NM_001379500.1 (MANE Select); coding-DNA position 2915, C replaced by T.
Protein change: p.Pro972Leu; replaces proline 972 with leucine.
Molecular consequence: missense variant.
Genome position (GRCh38, 1-based): chr21:45,505,180, C>T. VCF-style: chr21-45505180-C-T. GRCh37 (hg19) VCF-style: chr21-46925094-C-T.
Other names: c.3446C>T, p.Pro1149Leu (NM_030582.4); c.4151C>T, p.Pro1384Leu (NM_130444.3); short protein forms P1149L, P1384L, P972L.
Identifiers: ClinVar variation 1996608 (VCV001996608.5), dbSNP rs753905674, ClinGen allele CA10067550.